The following is an entry in ClinVar:

ClinVar aggregate classification (germline): Pathogenic/Likely pathogenic. Review status: criteria provided, multiple submitters, no conflicts (2 of 4 stars). 2 submissions from 2 submitters: Pathogenic (1); Likely pathogenic (1). Last evaluated 2024-10-15.

Conditions:
TSEN54-related disorder. Also called: TSEN54-related condition.

gnomAD v4.1: 5 of 1,548,212 alleles (0.00032%); highest among the groups gnomAD compares: Non-Finnish European, 0.00044%; no homozygotes.

Submissions (2):

Blueprint Genetics
Classification: Likely pathogenic for TSEN54-related disorders. Last evaluated: 2024-10-15. Review status: criteria provided, single submitter. Criteria: ACMG Guidelines, 2015. Collection method: clinical testing. Allele origin: germline. Affected: yes. Observed: 1 variant allele.

Labcorp Genetics (formerly Invitae), Labcorp
Classification: Pathogenic. Last evaluated: 2023-06-11. Review status: criteria provided, single submitter. Criteria: Invitae Variant Classification Sherloc (09022015). Collection method: clinical testing. Allele origin: germline.
Comment: This sequence change creates a premature translational stop signal (p.Glu371*) in the TSEN54 gene. It is expected to result in an absent or disrupted protein product. Loss-of-function variants in TSEN54 are known to be pathogenic (PMID: 18711368, 20952379). The frequency data for this variant in the population databases is considered unreliable, as metrics indicate poor data quality at this position in the gnomAD database. This variant has not been reported in the literature in individuals affected with TSEN54-related conditions. Algorithms developed to predict the effect of sequence changes on RNA splicing suggest that this variant may create or strengthen a splice site. For these reasons, this variant has been classified as Pathogenic.

Literature cited by the submitters: PubMed 18711368 (cited by Labcorp Genetics (formerly Invitae), Labcorp); PubMed 20952379 (cited by Labcorp Genetics (formerly Invitae), Labcorp).

NM_207346.3(TSEN54):c.1111G>T (p.Glu371Ter)

Gene: TSEN54 (tRNA splicing endonuclease subunit 54; plus strand). Cytogenetic location: 17q25.1.
Variant type: single nucleotide variant.
Coding change: c.1111G>T on transcript NM_207346.3 (MANE Select); coding-DNA position 1111, G replaced by T.
Protein change: p.Glu371Ter; replaces glutamic acid 371 with a stop codon.
Molecular consequence: nonsense.
Genome position (GRCh38, 1-based): chr17:75,522,192, G>T. VCF-style: chr17-75522192-G-T. GRCh37 (hg19) VCF-style: chr17-73518273-G-T.
Other names: short protein forms E371*.
Identifiers: ClinVar variation 2995758 (VCV002995758.4), dbSNP rs398124621, ClinGen allele CA8764353.